The following is an entry in ClinVar:

ClinVar aggregate classification (germline): Uncertain significance (1 of 4 stars; one submission).

Conditions:
Bifunctional peroxisomal enzyme deficiency (DBIF). Also called: DBP DEFICIENCY; D-bifunctional protein deficiency; PBFE DEFICIENCY. Identifiers: Orphanet 300, MedGen C0342870, MONDO:0009855, OMIM 261515. Disease mechanism: loss of function.
Perrault syndrome. Also called: Gonadal dysgenesis with auditory dysfunction, autosomal recessive inheritance. Identifiers: Orphanet 2855, MedGen C0685838, MONDO:0017312.

Submission:

Labcorp Genetics (formerly Invitae), Labcorp
Classification: Uncertain significance for Perrault syndrome; Bifunctional peroxisomal enzyme deficiency. Last evaluated: 2022-02-22. Review status: criteria provided, single submitter. Criteria: Invitae Variant Classification Sherloc (09022015). Collection method: clinical testing. Allele origin: germline.
Comment: This sequence change replaces lysine, which is basic and polar, with asparagine, which is neutral and polar, at codon 702 of the HSD17B4 protein (p.Lys702Asn). This variant is not present in population databases (gnomAD no frequency). This variant has not been reported in the literature in individuals affected with HSD17B4-related conditions. Advanced modeling of protein sequence and biophysical properties (such as structural, functional, and spatial information, amino acid conservation, physicochemical variation, residue mobility, and thermodynamic stability) performed at Invitae indicates that this missense variant is not expected to disrupt HSD17B4 protein function. In summary, the available evidence is currently insufficient to determine the role of this variant in disease. Therefore, it has been classified as a Variant of Uncertain Significance.

NM_000414.4(HSD17B4):c.2106G>T (p.Lys702Asn)

Gene: HSD17B4 (hydroxysteroid 17-beta dehydrogenase 4; plus strand). Cytogenetic location: 5q23.1.
Variant type: single nucleotide variant.
Coding change: c.2106G>T on transcript NM_000414.4 (MANE Select); coding-DNA position 2106, G replaced by T.
Protein change: p.Lys702Asn; replaces lysine 702 with asparagine.
Molecular consequence: missense variant. On other transcripts: non-coding transcript variant (2).
Genome position (GRCh38, 1-based): chr5:119,536,535, G>T. VCF-style: chr5-119536535-G-T. GRCh37 (hg19) VCF-style: chr5-118872230-G-T.
Other names: c.2181G>T, p.Lys727Asn (NM_001199291.3); c.2052G>T, p.Lys684Asn (NM_001199292.2); c.2034G>T, p.Lys678Asn (NM_001292027.2, NM_001374498.1); c.1686G>T, p.Lys562Asn (NM_001292028.2); c.2097G>T, p.Lys699Asn (NM_001374497.1); c.1779G>T, p.Lys593Asn (NM_001374499.1); c.1665G>T, p.Lys555Asn (NM_001374500.1); c.1695G>T, p.Lys565Asn (NM_001374501.1, NM_001374502.1, NM_001374503.1); short protein forms K555N, K562N, K565N, K684N, K699N, K593N, K727N, K678N.
Identifiers: ClinVar variation 1898653 (VCV001898653.5), dbSNP rs1425299540, ClinGen allele CA360872173.